The following is an entry in ClinVar:

NM_001165963.4(SCN1A):c.4699G>A (p.Glu1567Lys)

Genes: SCN1A (sodium voltage-gated channel alpha subunit 1; minus strand), LOC102724058 (uncharacterized LOC102724058; plus strand). Cytogenetic location: 2q24.3.
Variant type: single nucleotide variant.
Coding change: c.4699G>A on transcript NM_001165963.4 (MANE Select); coding-DNA position 4699, G replaced by A.
Protein change: p.Glu1567Lys; replaces glutamic acid 1567 with lysine.
Molecular consequence: missense variant. On other transcripts: non-coding transcript variant (1).
Genome position (GRCh38, 1-based): chr2:165,994,299, C>T on the plus strand (G>A on the coding strand, the complement: SCN1A is on the minus strand). VCF-style: chr2-165994299-C-T. GRCh37 (hg19) VCF-style: chr2-166850809-C-T.
Other names: c.4615G>A, p.Glu1539Lys (NM_001165964.3, NM_001353957.2, NM_001353958.2); c.4699G>A, p.Glu1567Lys (NM_001202435.3, NM_001353948.2); c.4666G>A, p.Glu1556Lys (NM_001353949.2, NM_001353950.2, NM_001353951.2 and 2 more transcripts); c.4663G>A, p.Glu1555Lys (NM_001353954.2, NM_001353955.2); c.4612G>A, p.Glu1538Lys (NM_001353960.2); c.2257G>A, p.Glu753Lys (NM_001353961.2); short protein forms E1538K, E1539K, E1555K, E1556K, E1567K, E753K.
Identifiers: ClinVar variation 1327286 (VCV001327286.6), dbSNP rs1037225738, ClinGen allele CA59800382.

ClinVar aggregate classification (germline): Uncertain significance. Review status: criteria provided, multiple submitters, no conflicts (2 of 4 stars). 2 submissions from 2 submitters: Uncertain significance (2). Last evaluated 2022-06-04.

Conditions:
Early-infantile DEE. Also called: Early infantile epileptic encephalopathy; Early infantile epileptic encephalopathy with suppression bursts; Ohtahara syndrome. Identifiers: Orphanet 1934, MedGen C0393706, MONDO:0800491.

Allele frequency attached by ClinVar (database versions not stated): gnomAD exomes below 0.00001.
gnomAD v4.1: 3 of 1,613,174 alleles (0.00019%); highest among the groups gnomAD compares: African/African-American, 0.0027%; no homozygotes.

Submissions (2):

Labcorp Genetics (formerly Invitae), Labcorp
Classification: Uncertain significance for Early-infantile DEE. Last evaluated: 2022-06-04. Review status: criteria provided, single submitter. Criteria: Invitae Variant Classification Sherloc (09022015). Collection method: clinical testing. Allele origin: germline.
Comment: In summary, the available evidence is currently insufficient to determine the role of this variant in disease. Therefore, it has been classified as a Variant of Uncertain Significance. Advanced modeling of protein sequence and biophysical properties (such as structural, functional, and spatial information, amino acid conservation, physicochemical variation, residue mobility, and thermodynamic stability) performed at Invitae indicates that this missense variant is not expected to disrupt SCN1A protein function. ClinVar contains an entry for this variant (Variation ID: 1327286). This variant has not been reported in the literature in individuals affected with SCN1A-related conditions. This variant is not present in population databases (gnomAD no frequency). This sequence change replaces glutamic acid, which is acidic and polar, with lysine, which is basic and polar, at codon 1567 of the SCN1A protein (p.Glu1567Lys).

GeneDx
Classification: Uncertain significance. Last evaluated: 2021-06-01. Review status: criteria provided, single submitter. Criteria: GeneDx Variant Classification Process June 2021. Collection method: clinical testing. Allele origin: germline. Affected: yes.
Comment: Not observed at significant frequency in large population cohorts (Lek et al., 2016); Missense variants in this gene are often considered pathogenic (Stenson et al., 2014); In silico analysis supports that this missense variant does not alter protein structure/function; Has not been previously published as pathogenic or benign to our knowledge; Within the extracellular loop between the S1 and S2 transmembrane segments of the fourth homologous domain; This variant is associated with the following publications: (PMID: 27535533, 24077912)